The following is an entry in ClinVar:

ClinVar aggregate classification (germline): Uncertain significance (1 of 4 stars; one submission).

Conditions:
Autosomal dominant nonsyndromic hearing loss 11. Identifiers: Orphanet 90635, MedGen C1832475, MONDO:0011032, OMIM 601317.

gnomAD v4.1: 1 of 1,613,906 alleles (0.000062%); highest among the groups gnomAD compares: Non-Finnish European, 0.000085%; no homozygotes.

Submission:

Laboratory of Molecular, Cellular and Translation Genetics in Otolaryngology/ Lim32-hcfmusp, University of Sao Paulo School of Medicine Clinics Hospital
Classification: Uncertain significance for Autosomal dominant nonsyndromic hearing loss 11. Last evaluated: 2026-04-30. Review status: criteria provided, single submitter. Criteria: ClinGen HL ACMG Specifications v1. Collection method: research. Allele origin: germline. Affected: yes.
Comment: NM_000260.4:c.3598G>A:p.(Gly1200Ser). This variant has been classified as a variant of uncertain significance (VUS). It is absent from population databases (PM2) and is predicted to have a deleterious effect on protein function by multiple in silico tools (PP3_moderate). However, the available segregation data are limited and insufficient to support a definitive classification.

Literature cited by the submitters: PubMed 42233699.

NM_000260.4(MYO7A):c.3598G>A (p.Gly1200Ser)

Gene: MYO7A (myosin VIIA; plus strand). Cytogenetic location: 11q13.5.
Variant type: single nucleotide variant.
Coding change: c.3598G>A on transcript NM_000260.4 (MANE Select); coding-DNA position 3598, G replaced by A.
Protein change: p.Gly1200Ser; replaces glycine 1200 with serine.
Molecular consequence: missense variant.
Genome position (GRCh38, 1-based): chr11:77,189,438, G>A. VCF-style: chr11-77189438-G-A. GRCh37 (hg19) VCF-style: chr11-76900483-G-A.
Other names: c.3598G>A, p.Gly1200Ser (NM_001127180.2); c.3565G>A, p.Gly1189Ser (NM_001369365.1); short protein forms G1189S, G1200S.
Identifiers: ClinVar variation 4852831 (VCV004852831.1), dbSNP rs1016139683.
Genomic context (GRCh38, chr11:77,189,438, plus strand): 5'-ACCCACAACCCCTCCAAGAGCAGCTATGCCCGGGGCTGGATTCTCGTGTCTCTCTGCGTG[G>A]GCTGTTTCGCCCCCTCCGAGAAGTTTGTCAAGGTAGGAAGGTGCCTGGCCTCCTGGAGTG-3'
Protein context (NP_000251.3, residues 1190-1210): RGWILVSLCV[Gly1200Ser]CFAPSEKFVK